The following is an entry in ClinVar:

ClinVar aggregate classification (germline): Pathogenic (1 of 4 stars; one submission).

Submission:

Labcorp Genetics (formerly Invitae), Labcorp
Classification: Pathogenic. Last evaluated: 2023-05-17. Review status: criteria provided, single submitter. Criteria: Invitae Variant Classification Sherloc (09022015). Collection method: clinical testing. Allele origin: unknown.
Comment: For these reasons, this variant has been classified as Pathogenic. This variant has not been reported in the literature in individuals affected with ADGRV1-related conditions. This variant is a gross deletion of the genomic region encompassing exon(s) 15 of the ADGRV1 gene. This deletion is out-of-frame, and is expected to create a premature termination codon and result in an absent or disrupted protein product. Loss-of-function variants in ADGRV1 are known to be pathogenic (PMID: 19357117, 22135276, 22147658, 26226137, 30718709, 31047384, 32467589).

Literature cited by the submitters: PubMed 19357117; PubMed 22135276; PubMed 22147658; PubMed 26226137; PubMed 30718709; PubMed 31047384; PubMed 32467589.

NC_000005.9:g.(?_89940503)_(89940768_?)del

Gene: ADGRV1 (adhesion G protein-coupled receptor V1; plus strand). Cytogenetic location: 5q14.3.
Variant type: Deletion.
Identifiers: ClinVar variation 3246534 (VCV003246534.1).